The following is an entry in ClinVar:

ClinVar aggregate classification (germline): Pathogenic (1 of 4 stars; one submission).

Conditions:
Hypogonadotropic hypogonadism 1 with or without anosmia (HH1). Also called: Kallmann syndrome, type 1, X-linked; DYSPLASIA OLFACTOGENITALIS OF DE MORSIER; HYPOGONADOTROPIC HYPOGONADISM AND ANOSMIA; HYPOGONADOTROPIC HYPOGONADISM 1 WITH ANOSMIA; KAL1-Related GnRH Deficiency (Kallmann Syndrome 1; Kallmann Syndrome, X-Linked); Hypogonadotropic hypogonadism 1 with or without anosmia (Kallmann syndrome 1). Identifiers: Orphanet 478, MedGen C1563719, MONDO:0010635, OMIM 308700. Disease mechanism: loss of function.

Submission:

Labcorp Genetics (formerly Invitae), Labcorp
Classification: Pathogenic for Hypogonadotropic hypogonadism 1 with or without anosmia. Last evaluated: 2024-03-16. Review status: criteria provided, single submitter. Criteria: Invitae Variant Classification Sherloc (09022015). Collection method: clinical testing. Allele origin: germline.
Comment: This sequence change creates a premature translational stop signal (p.Asp322Thrfs*38) in the ANOS1 gene. It is expected to result in an absent or disrupted protein product. Loss-of-function variants in ANOS1 are known to be pathogenic (PMID: 8504298, 11297579). This variant is not present in population databases (gnomAD no frequency). This variant has not been reported in the literature in individuals affected with ANOS1-related conditions. For these reasons, this variant has been classified as Pathogenic.

Literature cited by the submitters: PubMed 8504298; PubMed 11297579.

NM_000216.4(ANOS1):c.964del (p.Asp322fs)

Gene: ANOS1 (anosmin 1; minus strand). Cytogenetic location: Xp22.31.
Variant type: Deletion.
Coding change: c.964del on transcript NM_000216.4 (MANE Select); coding-DNA position 964, one base deleted (G; older notation c.964delG).
Protein change: p.Asp322fs; shifts the reading frame from aspartic acid 322.
Molecular consequence: frameshift variant.
Genome position (GRCh38, 1-based): chrX:8,570,597, C deleted on the plus strand (G on the coding strand, the reverse complement: ANOS1 is on the minus strand); the first of 2 consecutive C bases (chrX:8,570,597-8,570,598); deleting either gives the same sequence. VCF-style (leftmost placement, unchanged base first): chrX-8570596-TC-T. GRCh37 (hg19) VCF-style: chrX-8538637-TC-T.
Other names: short protein forms D322fs.
Identifiers: ClinVar variation 3646363 (VCV003646363.2).
Genomic context (GRCh38, chrX:8,570,596, plus strand): 5'-ACAAGAGACTTACTGCTGACCATCCAGCTCCAAAAGACCTTGTAATGATGCACAGGGATG[TC>T]CGGCTCCTCGGGGAGATCCCAAACTATAGTGACGGTCACACTCCCATCACTGTTGACGGT-3'